The following is an entry in ClinVar:

ClinVar aggregate classification (germline): VUS-high (0 of 4 stars; one submission).

Conditions:
Autosomal recessive nonsyndromic hearing loss 9. Also called: NEUROSENSORY NONSYNDROMIC RECESSIVE DEAFNESS 9; OTOF-Related Hearing Loss; Deafness, autosomal recessive 9; AUDITORY NEUROPATHY, AUTOSOMAL RECESSIVE, 1, TEMPERATURE-SENSITIVE. Identifiers: Orphanet 90636, MedGen C1832828, MONDO:0010986, OMIM 601071.

Submission:

Diagnosis and Treatment Center of Genetic Hearing Loss, Eye & ENT Hospital of Fudan University
Classification: VUS-high for Autosomal recessive nonsyndromic hearing loss 9. Last evaluated: 2026-02-04. Review status: no assertion criteria provided. Collection method: clinical testing. Allele origin: germline. Inheritance: Autosomal recessive inheritance. Affected: yes.
Comment: The c.1616T>A missense variant in OTOF is absent from population databases (PM2_Supporting). The REVEL score is 0.942 (PP3_Strong).

NM_194248.3(OTOF):c.1616T>A (p.Met539Lys)

Gene: OTOF (otoferlin; minus strand). Cytogenetic location: 2p23.3.
Variant type: single nucleotide variant.
Coding change: c.1616T>A on transcript NM_194248.3 (MANE Select); coding-DNA position 1616, T replaced by A.
Protein change: p.Met539Lys; replaces methionine 539 with lysine.
Molecular consequence: missense variant.
Genome position (GRCh38, 1-based): chr2:26,480,973, A>T on the plus strand (T>A on the coding strand, the complement: OTOF is on the minus strand). VCF-style: chr2-26480973-A-T. GRCh37 (hg19) VCF-style: chr2-26703841-A-T.
Other names: c.1616T>A, p.Met539Lys (NM_001287489.2); short protein forms M539K.
Identifiers: ClinVar variation 4879934 (VCV004879934.1).
Genomic context (GRCh38, chr2:26,480,973, plus strand): 5'-AGGCCCTCGTTCAGGTCCTGATGCTCATCCAGCAGCGTGTAGTTACGTGTGGAGCCGTAC[A>T]TGTTCACCCAGGCTGGGCCCAGTGTGGGCAGGAAGCCTGTGGCAGTGGGAACAAAAATGA-3'
Protein context (NP_919224.1, residues 529-549): LPTLGPAWVN[Met539Lys]YGSTRNYTLL